The following is an entry in ClinVar:

NM_000545.8(HNF1A):c.1768G>A (p.Val590Met)

Gene: HNF1A (HNF1 homeobox A; plus strand). Cytogenetic location: 12q24.31.
Variant type: single nucleotide variant.
Coding change: c.1768G>A on transcript NM_000545.8 (MANE Select); coding-DNA position 1768, G replaced by A.
Protein change: p.Val590Met; replaces valine 590 with methionine.
Molecular consequence: missense variant.
Genome position (GRCh38, 1-based): chr12:120,999,627, G>A. VCF-style: chr12-120999627-G-A. GRCh37 (hg19) VCF-style: chr12-121437430-G-A.
Other names: NM_000545.8(HNF1A):c.1768G>A; p.Val590Met; c.1789G>A, p.Val597Met (NM_001306179.2); short protein forms V590M, V597M.
Identifiers: ClinVar variation 447484 (VCV000447484.7), dbSNP rs1168108747, ClinGen allele CA386973441.

ClinVar aggregate classification (germline): Uncertain significance. Review status: reviewed by expert panel (3 of 4 stars). 3 submissions from 3 submitters: Uncertain significance (1). 2 of the submissions do not count toward it. Last evaluated 2025-10-03.

Conditions:
Monogenic diabetes. Identifiers: Orphanet 183625, MedGen C3888631, MONDO:0015967.

Allele frequency attached by ClinVar (database versions not stated): gnomAD exomes below 0.00001; gnomAD 0.00001; TOPMed 0.00001.
gnomAD v4.1: 7 of 1,608,896 alleles (0.00044%); highest among the groups gnomAD compares: Admixed American, 0.0033%; no homozygotes.

Submissions (3):

ClinGen Monogenic Diabetes Variant Curation Expert Panel
Classification: Uncertain significance for Monogenic diabetes. Last evaluated: 2025-10-03. Review status: reviewed by expert panel. Criteria: ClinGen Diabetes ACMG Specifications HNF1A V3.0.0. Collection method: curation. Allele origin: germline. Inheritance: Autosomal dominant inheritance.
Comment: The c.1768C>G variant in the e.g. HNF1 homeobox A gene, HNF1A, causes an amino acid change of valine to methionine at codon 590 (p.(Val590Met)) of NM_000545.8. This variant has a Grpmax filtering allele frequency of 0.00000553 in gnomAD v4.1.0, which falls between ClinGen MDEP-established cutoffs for PM2_Supporting and BS1; thus, neither criterion will be applied. This variant has a REVEL score of 0.442, which is between the ClinGen MDEP thresholds for BP4 and PP3, predicting neither a damaging nor benign impact on HNF1A function. This variant was identified in an individual with diabetes; however, the MODY probability is unable to be calculated due to lack of clinical information, therefore PP4 does not apply (PMID: 33477506). In summary, c.1768C>G meets the criteria to be classified as a variant of uncertain significance for monogenic diabetes. ACMG/AMP criteria applied, as specified by the ClinGen MDEP (specification version 3.0.0, approved 6/30/2025): none.

Labcorp Genetics (formerly Invitae), Labcorp
Classification: Uncertain significance. Last evaluated: 2025-03-04. Review status: criteria provided, single submitter. Criteria: Invitae Variant Classification Sherloc (09022015). Collection method: clinical testing. Allele origin: germline. Not counted in ClinVar's aggregate classification.
Comment: This sequence change replaces valine, which is neutral and non-polar, with methionine, which is neutral and non-polar, at codon 590 of the HNF1A protein (p.Val590Met). This variant also falls at the last nucleotide of exon 9, which is part of the consensus splice site for this exon. This variant is present in population databases (no rsID available, gnomAD 0.001%). This missense change has been observed in individual(s) with clinical features of maturity-onset diabetes of the young (PMID: 33477506). ClinVar contains an entry for this variant (Variation ID: 447484). An algorithm developed to predict the effect of missense changes on protein structure and function outputs the following: PolyPhen-2: "Probably Damaging". The methionine amino acid residue is found in multiple mammalian species, which suggests that this missense change does not adversely affect protein function. Variants that disrupt the consensus splice site are a relatively common cause of aberrant splicing (PMID: 17576681, 9536098). In summary, the available evidence is currently insufficient to determine the role of this variant in disease. Therefore, it has been classified as a Variant of Uncertain Significance.

Athena Diagnostics
Classification: Uncertain significance. Last evaluated: 2017-01-16. Review status: criteria provided, single submitter. Criteria: Athena Diagnostics Criteria. Collection method: clinical testing. Allele origin: germline. Not counted in ClinVar's aggregate classification.

Literature cited by the submitters: PubMed 33477506 (cited by ClinGen Monogenic Diabetes Variant Curation Expert Panel and Labcorp Genetics (formerly Invitae), Labcorp); PubMed 17576681 (cited by Labcorp Genetics (formerly Invitae), Labcorp); PubMed 9536098 (cited by Labcorp Genetics (formerly Invitae), Labcorp).